The following is an entry in ClinVar:

NM_001134831.2(AHI1):c.1509_1510dup (p.Lys504fs)

Gene: AHI1 (Abelson helper integration site 1; minus strand). Cytogenetic location: 6q23.3.
Variant type: Duplication.
Coding change: c.1509_1510dup on transcript NM_001134831.2 (MANE Select); coding-DNA positions 1509 to 1510, 2 bases duplicated (TA; older notation c.1509_1510dupTA).
Protein change: p.Lys504fs; shifts the reading frame from lysine 504.
Molecular consequence: frameshift variant.
Genome position (GRCh38, 1-based): chr6:135,448,406-135,448,407, TA duplicated on the plus strand (TA on the coding strand, the reverse complement: AHI1 is on the minus strand). VCF-style (leftmost placement, unchanged base first): chr6-135448405-T-TTA. GRCh37 (hg19) VCF-style: chr6-135769543-T-TTA.
Other names: c.1509_1510dup, p.Lys504fs (NM_001134830.2, NM_001134832.2, NM_001350503.2 and 2 more transcripts); short protein forms K504fs.
Identifiers: ClinVar variation 5014622 (VCV005014622.1).

ClinVar aggregate classification (germline): Pathogenic (1 of 4 stars; one submission).

Conditions:
Joubert syndrome 3 (JBTS3). Also called: AHI1-related Ciliopathy. Identifiers: Orphanet 220493, MedGen C1837713, MONDO:0012078, OMIM 608629.

Submission:

Myriad Genetics, Inc.
Classification: Pathogenic for Joubert syndrome 3. Last evaluated: 2025-06-20. Review status: criteria provided, single submitter. Criteria: Myriad Autosomal Dominant, Autosomal Recessive and X-Linked Classification Criteria (2023). Collection method: clinical testing. Allele origin: unknown.
Comment: NM_001134831.1(AHI1):c.1509_1510dupTA(K504Ifs*7) is expected to be pathogenic in the context of Joubert syndrome, AHI1-related. This variant is predicted to lead to an abnormal or absent protein product due to the creation of a premature termination codon in AHI1, a gene where loss-of-function variants are known to be pathogenic. Please note: this variant was assessed in the context of healthy population screening.